The following is an entry in ClinVar:

NM_006397.3(RNASEH2A):c.838C>T (p.Arg280Cys)

Gene: RNASEH2A (ribonuclease H2 subunit A; plus strand). Cytogenetic location: 19p13.13.
Variant type: single nucleotide variant.
Coding change: c.838C>T on transcript NM_006397.3 (MANE Select); coding-DNA position 838, C replaced by T.
Protein change: p.Arg280Cys; replaces arginine 280 with cysteine.
Molecular consequence: missense variant.
Genome position (GRCh38, 1-based): chr19:12,813,404, C>T. VCF-style: chr19-12813404-C-T. GRCh37 (hg19) VCF-style: chr19-12924218-C-T.
Other names: p.Arg280Cys; c.838C>T (NM_006397.2); short protein forms R280C.
Identifiers: ClinVar variation 1521252 (VCV001521252.7), dbSNP rs375883546, ClinGen allele CA9232059.
Genomic context (GRCh38, chr19:12,813,404, plus strand): 5'-GAGAATCAGGAGGGACTCAGGAAGATCACATCCTACTTCCTCAATGAAGGGTCCCAAGCC[C>T]GTCCCCGTTCTTCCCACCGATATTTCCTGGAACGCGGCCTGGAGTCAGCAACCAGCCTCT-3'
Protein context (NP_006388.2, residues 270-290): SYFLNEGSQA[Arg280Cys]PRSSHRYFLE

ClinVar aggregate classification (germline): Uncertain significance. Review status: criteria provided, multiple submitters, no conflicts (2 of 4 stars). 3 submissions from 3 submitters: Uncertain significance (3). Last evaluated 2025-04-14.

Conditions:
Inborn genetic diseases. Identifiers: MedGen C0950123, MeSH D030342.
Aicardi-Goutieres syndrome 4. Identifiers: Orphanet 51, MedGen C1835912, MONDO:0012472, OMIM 610333.

Allele frequency attached by ClinVar (database versions not stated): gnomAD exomes 0.00001 and 0.00002; ExAC 0.00004; gnomAD 0.00005 and 0.00006; TOPMed 0.00005.

Submissions (3):

Mayo Clinic Laboratories, Mayo Clinic
Classification: Uncertain significance. Last evaluated: 2025-04-14. Review status: criteria provided, single submitter. Criteria: ACMG Guidelines, 2015. Collection method: clinical testing. Allele origin: germline. Observed: 1 variant allele.
Comment: BP4

Labcorp Genetics (formerly Invitae), Labcorp
Classification: Uncertain significance for Aicardi-Goutieres syndrome 4. Last evaluated: 2022-08-09. Review status: criteria provided, single submitter. Criteria: Invitae Variant Classification Sherloc (09022015). Collection method: clinical testing. Allele origin: germline.
Comment: This sequence change replaces arginine, which is basic and polar, with cysteine, which is neutral and slightly polar, at codon 280 of the RNASEH2A protein (p.Arg280Cys). This variant is present in population databases (rs375883546, gnomAD 0.02%). This variant has not been reported in the literature in individuals affected with RNASEH2A-related conditions. ClinVar contains an entry for this variant (Variation ID: 1521252). Algorithms developed to predict the effect of missense changes on protein structure and function output the following: SIFT: "Deleterious"; PolyPhen-2: "Benign"; Align-GVGD: "Class C15". The cysteine amino acid residue is found in multiple mammalian species, which suggests that this missense change does not adversely affect protein function. In summary, the available evidence is currently insufficient to determine the role of this variant in disease. Therefore, it has been classified as a Variant of Uncertain Significance.

Ambry Genetics
Classification: Uncertain significance for Inborn genetic diseases. Last evaluated: 2021-09-01. Review status: criteria provided, single submitter. Criteria: Ambry Variant Classification Scheme 2023. Collection method: clinical testing. Allele origin: germline.